The following is an entry in ClinVar:

NM_001365276.2(TNXB):c.5449C>T (p.Pro1817Ser)

Gene: TNXB (tenascin XB; minus strand). Cytogenetic location: 6p21.33.
Variant type: single nucleotide variant.
Coding change: c.5449C>T on transcript NM_001365276.2 (MANE Select); coding-DNA position 5449, C replaced by T.
Protein change: p.Pro1817Ser; replaces proline 1817 with serine.
Molecular consequence: missense variant.
Genome position (GRCh38, 1-based): chr6:32,069,691, G>A on the plus strand (C>T on the coding strand, the complement: TNXB is on the minus strand). VCF-style: chr6-32069691-G-A. GRCh37 (hg19) VCF-style: chr6-32037468-G-A.
Other names: c.5449C>T, p.Pro1817Ser (NM_019105.8); short protein forms P1817S.
Identifiers: ClinVar variation 1747583 (VCV001747583.4), dbSNP rs757576159, ClinGen allele CA3734709.

ClinVar aggregate classification (germline): Conflicting classifications of pathogenicity. Review status: criteria provided, conflicting classifications (1 of 4 stars). 2 submissions from 2 submitters: Uncertain significance (1); Likely benign (1). Last evaluated 2024-12-13.

Conditions:
Cardiovascular phenotype. Identifiers: MedGen CN230736.

Allele frequency attached by ClinVar (database versions not stated): ExAC 0.00001; gnomAD exomes 0.00001; TOPMed 0.00001.
gnomAD v4.1: 12 of 1,611,224 alleles (0.00074%); highest among the groups gnomAD compares: Non-Finnish European, 0.00093%; no homozygotes.

Submissions (2):

GeneDx
Classification: Uncertain significance. Last evaluated: 2024-12-13. Review status: criteria provided, single submitter. Criteria: GeneDx Variant Classification Process June 2021. Collection method: clinical testing. Allele origin: germline. Affected: yes.
Comment: Not observed at significant frequency in large population cohorts (gnomAD); In silico analysis supports that this missense variant has a deleterious effect on protein structure/function; Has not been previously published as pathogenic or benign to our knowledge

Ambry Genetics
Classification: Likely benign for Cardiovascular phenotype. Last evaluated: 2024-06-07. Review status: criteria provided, single submitter. Criteria: Ambry Variant Classification Scheme 2023. Collection method: clinical testing. Allele origin: germline.